The following is an entry in ClinVar:

ClinVar aggregate classification (germline): Uncertain significance (1 of 4 stars; one submission).

Conditions:
Muscular dystrophy-dystroglycanopathy (congenital with brain and eye anomalies), type a, 11 (MDDGA11). Also called: WALKER-WARBURG SYNDROME OR MUSCLE-EYE-BRAIN DISEASE, B3GALNT2-RELATED; Muscular dystrophy-dystroglycanopathy (congenital with brain and eye anomalies, type A, 11; Congenital muscular dystrophy-dystroglycanopathy with brain and eye anomalies, type A11. Identifiers: Orphanet 588, Orphanet 899, MedGen C3554638, MONDO:0014071, OMIM 615181.

Submission:

Labcorp Genetics (formerly Invitae), Labcorp
Classification: Uncertain significance for Muscular dystrophy-dystroglycanopathy (congenital with brain and eye anomalies), type a, 11. Last evaluated: 2022-05-03. Review status: criteria provided, single submitter. Criteria: Invitae Variant Classification Sherloc (09022015). Collection method: clinical testing. Allele origin: germline.
Comment: This sequence change replaces serine, which is neutral and polar, with glycine, which is neutral and non-polar, at codon 159 of the B3GALNT2 protein (p.Ser159Gly). In summary, the available evidence is currently insufficient to determine the role of this variant in disease. Therefore, it has been classified as a Variant of Uncertain Significance. Algorithms developed to predict the effect of missense changes on protein structure and function (SIFT, PolyPhen-2, Align-GVGD) all suggest that this variant is likely to be tolerated. This variant has not been reported in the literature in individuals affected with B3GALNT2-related conditions. This variant is not present in population databases (gnomAD no frequency).

NM_152490.5(B3GALNT2):c.475A>G (p.Ser159Gly)

Gene: B3GALNT2 (beta-1,3-N-acetylgalactosaminyltransferase 2; minus strand). Cytogenetic location: 1q42.3.
Variant type: single nucleotide variant.
Coding change: c.475A>G on transcript NM_152490.5 (MANE Select); coding-DNA position 475, A replaced by G.
Protein change: p.Ser159Gly; replaces serine 159 with glycine.
Molecular consequence: missense variant.
Genome position (GRCh38, 1-based): chr1:235,484,402, T>C on the plus strand (A>G on the coding strand, the complement: B3GALNT2 is on the minus strand). VCF-style: chr1-235484402-T-C. GRCh37 (hg19) VCF-style: chr1-235647718-T-C.
Other names: c.598A>G, p.Ser200Gly (NM_001277155.3); short protein forms S200G, S159G.
Identifiers: ClinVar variation 1961341 (VCV001961341.5), dbSNP rs2527313341, ClinGen allele CA344925167.